The following is an entry in ClinVar:

NM_001039141.3(TRIOBP):c.5544C>T (p.Tyr1848=)

Genes: TRIOBP (TRIO and F-actin binding protein; plus strand), LOC126863145 (CDK7 strongly-dependent group 2 enhancer GRCh37_chr22:38150829-38152028; plus strand). Cytogenetic location: 22q13.1.
Variant type: single nucleotide variant.
Coding change: c.5544C>T on transcript NM_001039141.3 (MANE Select); coding-DNA position 5544, C replaced by T.
Protein change: p.Tyr1848=; no amino-acid change (tyrosine 1848 retained).
Molecular consequence: synonymous variant.
Genome position (GRCh38, 1-based): chr22:37,755,157, C>T. VCF-style: chr22-37755157-C-T. GRCh37 (hg19) VCF-style: chr22-38151164-C-T.
Other names: c.405C>T, p.Tyr135= (NM_007032.5, NM_138632.2).
Identifiers: ClinVar variation 178558 (VCV000178558.9), dbSNP rs373713130, ClinGen allele CA182554.

ClinVar aggregate classification (germline): Likely benign. Review status: criteria provided, multiple submitters, no conflicts (2 of 4 stars). 3 submissions from 3 submitters: Likely benign (3). Last evaluated 2026-01-27.

Conditions:
TRIOBP-related disorder. Also called: TRIOBP-related condition.

Allele frequency attached by ClinVar (database versions not stated): gnomAD 0.00001 and 0.00002; gnomAD exomes 0.00005 and 0.00007; ESP Exome Variant Server 0.00008; TOPMed 0.00005; ExAC 0.00007.
gnomAD v4.1: 73 of 1,613,240 alleles (0.0045%); highest among the groups gnomAD compares: Middle Eastern, 0.049%; no homozygotes.

Submissions (3):

Labcorp Genetics (formerly Invitae), Labcorp
Classification: Likely benign. Last evaluated: 2026-01-27. Review status: criteria provided, single submitter. Criteria: Invitae Variant Classification Sherloc (09022015). Collection method: clinical testing. Allele origin: germline.

PreventionGenetics, part of Exact Sciences
Classification: Likely benign for TRIOBP-related condition. Last evaluated: 2024-12-02. Review status: criteria provided, single submitter. Criteria: ACMG Guidelines, 2015. Collection method: clinical testing. Allele origin: germline.
Comment: This variant is classified as likely benign based on ACMG/AMP sequence variant interpretation guidelines (Richards et al. 2015 PMID: 25741868, with internal and published modifications).

Laboratory for Molecular Medicine, Mass General Brigham Personalized Medicine
Classification: Likely benign. Last evaluated: 2016-09-10. Review status: criteria provided, single submitter. Criteria: LMM Criteria. Collection method: clinical testing. Allele origin: germline. Observed: 2 variant alleles.
Comment: p.Tyr1848Tyr in exon 14 of TRIOBP: This variant is not expected to have clinical significance because it does not alter an amino acid residue, is not located wi thin the splice consensus sequence, and has been identified in 2/14690 South Asi an chromosomes by the Exome Aggregation Consortium (ExAC; dbSNP rs373713130).